The following is an entry in ClinVar:

NM_020117.11(LARS1):c.708-189A>G

Gene: LARS1 (leucyl-tRNA synthetase 1; minus strand). Cytogenetic location: 5q32.
Variant type: single nucleotide variant.
Coding change: c.708-189A>G on transcript NM_020117.11 (MANE Select); 189 bases into the intron before coding-DNA position 708, A replaced by G.
Molecular consequence: intron variant.
Genome position (GRCh38, 1-based): chr5:146,159,659, T>C on the plus strand (A>G on the coding strand, the complement: LARS1 is on the minus strand). VCF-style: chr5-146159659-T-C. GRCh37 (hg19) VCF-style: chr5-145539222-T-C.
Other names: c.546-189A>G (NM_001317965.2); c.627-189A>G (NM_016460.4); c.570-189A>G (NM_001317964.2).
Identifiers: ClinVar variation 670001 (VCV000670001.1), dbSNP rs67986716, ClinGen allele CA12173885.
Genomic context (GRCh38, chr5:146,159,659, plus strand): 5'-ATTATGTGTACTCTTATGGTAGTTCCACTGTCAACCTACTTATTTAATGAAAGCTTTCTA[T>C]CTTCGTCAAAGGTAATACCACTGAAAAATACACACTGATCTTGGCTTTGTGGTATTGAAC-3'

ClinVar aggregate classification (germline): Benign (1 of 4 stars; one submission).

Allele frequency attached by ClinVar (database versions not stated): 1000 Genomes Project 30x 0.18067; 1000 Genomes Project 0.18171; TOPMed 0.22144; gnomAD 0.22231.
gnomAD v4.1: 33,865 of 152,094 alleles (22%); highest among the groups gnomAD compares: Admixed American, 34%; 4,834 homozygotes.

Submission:

GeneDx
Classification: Benign. Last evaluated: 2018-06-14. Review status: criteria provided, single submitter. Criteria: GeneDx Variant Classification (06012015). Collection method: clinical testing. Allele origin: germline. Affected: yes.
Comment: This variant is considered likely benign or benign based on one or more of the following criteria: it is a conservative change, it occurs at a poorly conserved position in the protein, it is predicted to be benign by multiple in silico algorithms, and/or has population frequency not consistent with disease.